The following is an entry in ClinVar:

ClinVar aggregate classification (germline): Likely benign (0 of 4 stars; one submission).

Conditions:
MRPS12-related disorder. Also called: MRPS12-related condition.

Allele frequency attached by ClinVar (database versions not stated): ExAC 0.00011; gnomAD 0.00001.
gnomAD v4.1: 104 of 1,612,168 alleles (0.0065%); highest among the groups gnomAD compares: South Asian, 0.1%; no homozygotes.

Submission:

PreventionGenetics, part of Exact Sciences
Classification: Likely benign for MRPS12-related condition. Last evaluated: 2019-05-14. Review status: no assertion criteria provided. Collection method: clinical testing. Allele origin: germline.
Comment: This variant is classified as likely benign based on ACMG/AMP sequence variant interpretation guidelines (Richards et al. 2015 PMID: 25741868, with internal and published modifications).

NM_033362.3(MRPS12):c.-272G>A

Genes: MRPS12 (mitochondrial ribosomal protein S12; plus strand), SARS2 (seryl-tRNA synthetase 2, mitochondrial; minus strand), LOC130064387 (ATAC-STARR-seq lymphoblastoid active region 14604; plus strand). Cytogenetic location: 19q13.2.
Variant type: single nucleotide variant.
Coding change: c.-272G>A on transcript NM_033362.3; 272 bases upstream of the start codon, G replaced by A.
Molecular consequence: 5 prime UTR variant (on NM_017827.4).
Genome position (GRCh38, 1-based): chr19:38,930,746, G>A. VCF-style: chr19-38930746-G-A. GRCh37 (hg19) VCF-style: chr19-39421386-G-A.
Other names: c.-10C>T (NM_001145901.2, NM_017827.4).
Identifiers: ClinVar variation 3042088 (VCV003042088.2), dbSNP rs758783969, ClinGen allele CA9423374.